The following is an entry in ClinVar:

NM_005751.5(AKAP9):c.8461A>G (p.Ile2821Val)

Gene: AKAP9 (A-kinase anchoring protein 9; plus strand). Cytogenetic location: 7q21.2.
Variant type: single nucleotide variant.
Coding change: c.8461A>G on transcript NM_005751.5 (MANE Select); coding-DNA position 8461, A replaced by G.
Protein change: p.Ile2821Val; replaces isoleucine 2821 with valine.
Molecular consequence: missense variant.
Genome position (GRCh38, 1-based): chr7:92,083,470, A>G. VCF-style: chr7-92083470-A-G. GRCh37 (hg19) VCF-style: chr7-91712784-A-G.
Other names: c.3106A>G, p.Ile1036Val (NM_001379277.1); c.8437A>G, p.Ile2813Val (NM_147185.3); short protein forms I1036V, I2813V, I2821V.
Identifiers: ClinVar variation 3708528 (VCV003708528.3).

ClinVar aggregate classification (germline): Conflicting classifications of pathogenicity. Review status: criteria provided, conflicting classifications (1 of 4 stars). 2 submissions from 2 submitters: Uncertain significance (1); Likely benign (1). Last evaluated 2026-08-24.

Conditions:
Long QT syndrome (LQTS). Identifiers: MedGen C0023976, MeSH D008133, MONDO:0002442. Disease mechanism: loss of function. Inheritance: Various modes of inheritance.
Cardiovascular phenotype. Identifiers: MedGen CN230736.

gnomAD v4.1: 7 of 1,613,540 alleles (0.00043%); highest among the groups gnomAD compares: East Asian, 0.0045%; no homozygotes.

Submissions (2):

Ambry Genetics
Classification: Likely benign for Cardiovascular phenotype. Last evaluated: 2026-08-24. Review status: criteria provided, single submitter. Criteria: Ambry Variant Classification Scheme 2023. Collection method: clinical testing. Allele origin: germline.

Labcorp Genetics (formerly Invitae), Labcorp
Classification: Uncertain significance for Long QT syndrome. Last evaluated: 2024-02-09. Review status: criteria provided, single submitter. Criteria: Invitae Variant Classification Sherloc (09022015). Collection method: clinical testing. Allele origin: germline.
Comment: This sequence change replaces isoleucine, which is neutral and non-polar, with valine, which is neutral and non-polar, at codon 2821 of the AKAP9 protein (p.Ile2821Val). This variant is present in population databases (rs542747044, gnomAD 0.02%). This variant has not been reported in the literature in individuals affected with AKAP9-related conditions. An algorithm developed to predict the effect of missense changes on protein structure and function (PolyPhen-2) suggests that this variant is likely to be tolerated. In summary, the available evidence is currently insufficient to determine the role of this variant in disease. Therefore, it has been classified as a Variant of Uncertain Significance.